The following is an entry in ClinVar:

ClinVar aggregate classification (germline): Likely pathogenic (1 of 4 stars; one submission).

Conditions:
Ogden syndrome (OGDNS). Also called: N-TERMINAL ACETYLTRANSFERASE DEFICIENCY. Identifiers: Orphanet 276432, MedGen C3275447, MONDO:0010457, OMIM 300855.

Submissions (2):

Victorian Clinical Genetics Services, Murdoch Childrens Research Institute
Classification: Likely pathogenic for Ogden syndrome. Last evaluated: 2023-07-17. Review status: criteria provided, single submitter. Criteria: ACMG Guidelines, 2015. Collection method: clinical testing. Allele origin: germline. Inheritance: X-linked dominant inheritance. Affected: no.
Comment: Based on the classification scheme VCGS_Germline_v1.3.4, this variant is classified as Likely Pathogenic. Following criteria are met: 0103 - Loss of function (LoF) is a known mechanism of disease in this gene and is associated with microphthalmia, syndromic 1 (MIM#309800), whereas LoF and gain of function (GoF) are mechanisms associated with Ogden syndrome (MIM#300855). Variants resulting in a premature termination codon, splicing or that are located within an untranslated region have been reported for syndromic microphthalmia. Missense variants with both LoF and GoF evidence have been reported for Ogden syndrome (OMIM, PMID: 26522270, PMID: 31127942, PMID: 24431331). (I) 0108 - This gene is associated with both X-linked recessive and dominant disease. Heterozygous females have been described as both affected or asymptomatic carriers (OMIM, PMID: 26522270, PMID: 31127942, PMID: 24431331). (I) 0211 - Canonical splice site variant without proven consequence on splicing (no functional evidence available). (SP) 0251 - This variant is heterozygous. (I) 0301 - Variant is absent from gnomAD (both v2 and v3). (SP) 0505 - Abnormal splicing is predicted by in silico tools and affected nucleotide is highly conserved. (SP) 0705 - No comparable splice variants have previous evidence for pathogenicity. (I) 0807 - This variant has no previous evidence of pathogenicity. (I) 0905 - No published segregation evidence has been identified for this variant. (I) 1007 - No published functional evidence has been identified for this variant. (I) Legend: (SP) - Supporting pathogenic, (I) - Information, (SB) - Supporting benign

Dr. Peter K. Rogan Lab, Western University
No classification provided (evidence only). Condition: Nonpapillary renal cell carcinoma. Review status: no classification provided. Collection method: in vitro. Allele origin: not applicable. Functional consequence: retained intron. Not counted in ClinVar's aggregate classification.

Literature cited by the submitters: PubMed 24431331 (cited by Victorian Clinical Genetics Services, Murdoch Childrens Research Institute); PubMed 26522270 (cited by Victorian Clinical Genetics Services, Murdoch Childrens Research Institute); PubMed 31127942 (cited by Victorian Clinical Genetics Services, Murdoch Childrens Research Institute).

NM_003491.4(NAA10):c.387-1G>A

Gene: NAA10 (N-alpha-acetyltransferase 10, NatA catalytic subunit; minus strand). Cytogenetic location: Xq28.
Variant type: single nucleotide variant.
Coding change: c.387-1G>A on transcript NM_003491.4 (MANE Select); the canonical splice acceptor site of the intron before coding-DNA position 387, G replaced by A.
Molecular consequence: splice acceptor variant.
Genome position (GRCh38, 1-based): chrX:153,930,848, C>T on the plus strand (G>A on the coding strand, the complement: NAA10 is on the minus strand). VCF-style: chrX-153930848-C-T. GRCh37 (hg19) VCF-style: chrX-153196301-C-T.
Other names: NC_000023.10:g.153196301C>T; c.369-1G>A (NM_001256120.2); c.342-1G>A (NM_001256119.2).
Identifiers: ClinVar variation 3376962 (VCV003376962.2).